The following is an entry in ClinVar:

ClinVar aggregate classification (germline): Uncertain significance (1 of 4 stars; one submission).

Submission:

Labcorp Genetics (formerly Invitae), Labcorp
Classification: Uncertain significance. Last evaluated: 2022-10-17. Review status: criteria provided, single submitter. Criteria: Invitae Variant Classification Sherloc (09022015). Collection method: clinical testing. Allele origin: germline.
Comment: In summary, the available evidence is currently insufficient to determine the role of this variant in disease. Therefore, it has been classified as a Variant of Uncertain Significance. Advanced modeling of protein sequence and biophysical properties (such as structural, functional, and spatial information, amino acid conservation, physicochemical variation, residue mobility, and thermodynamic stability) performed at Invitae indicates that this missense variant is not expected to disrupt MYO15A protein function. This variant has not been reported in the literature in individuals affected with MYO15A-related conditions. This variant is not present in population databases (gnomAD no frequency). This sequence change replaces lysine, which is basic and polar, with threonine, which is neutral and polar, at codon 594 of the MYO15A protein (p.Lys594Thr).

NM_016239.4(MYO15A):c.1781A>C (p.Lys594Thr)

Gene: MYO15A (myosin XVA; plus strand). Cytogenetic location: 17p11.2.
Variant type: single nucleotide variant.
Coding change: c.1781A>C on transcript NM_016239.4 (MANE Select); coding-DNA position 1781, A replaced by C.
Protein change: p.Lys594Thr; replaces lysine 594 with threonine.
Molecular consequence: missense variant.
Genome position (GRCh38, 1-based): chr17:18,120,581, A>C. VCF-style: chr17-18120581-A-C. GRCh37 (hg19) VCF-style: chr17-18023895-A-C.
Other names: short protein forms K594T.
Identifiers: ClinVar variation 2008987 (VCV002008987.4), dbSNP rs2545182691, ClinGen allele CA398580010.